The following is an entry in ClinVar:

ClinVar aggregate classification (germline): Pathogenic. Review status: criteria provided, single submitter (1 of 4 stars). 2 submissions from 2 submitters: Pathogenic (1). 1 of the submissions does not count toward it. Last evaluated 2020-08-31.

Conditions:
Tuberous sclerosis syndrome (TSC). Also called: Tuberous Sclerosis Complex; Tuberous sclerosis. Identifiers: Orphanet 805, MedGen C0041341, MONDO:0001734.
Tuberous sclerosis 2 (TSC2). Identifiers: Orphanet 805, MedGen C1860707, MONDO:0013199, OMIM 613254.

Submissions (2):

Labcorp Genetics (formerly Invitae), Labcorp
Classification: Pathogenic for Tuberous sclerosis 2. Last evaluated: 2020-08-31. Review status: criteria provided, single submitter. Criteria: Invitae Variant Classification Sherloc (09022015). Collection method: clinical testing. Allele origin: germline.
Comment: This sequence change affects an acceptor splice site in intron 36 of the TSC2 gene. It is expected to disrupt RNA splicing and likely results in an absent or disrupted protein product. This variant is not present in population databases (ExAC no frequency). This variant has been observed in individual(s) with tuberous sclerosis (PMID: 11112665). ClinVar contains an entry for this variant (Variation ID: 49312). Algorithms developed to predict the effect of sequence changes on RNA splicing suggest that this variant may disrupt the consensus splice site, but this prediction has not been confirmed by published transcriptional studies. Donor and acceptor splice site variants typically lead to a loss of protein function (PMID: 16199547), and loss-of-function variants in TSC2 are known to be pathogenic (PMID: 10205261, 17304050). For these reasons, this variant has been classified as Pathogenic.

Tuberous sclerosis database (TSC2)
No classification provided. Condition: TSC. Review status: no classification provided. Criteria: Tuberous Sclerosis Database Assertion Criteria 2015. Collection method: curation. Allele origin: germline. Affected: yes. Not counted in ClinVar's aggregate classification.

Literature cited by the submitters: PubMed 11112665 (cited by Labcorp Genetics (formerly Invitae), Labcorp); PubMed 16199547 (cited by Labcorp Genetics (formerly Invitae), Labcorp); PubMed 10205261 (cited by Labcorp Genetics (formerly Invitae), Labcorp); PubMed 17304050 (cited by Labcorp Genetics (formerly Invitae), Labcorp).

NM_000548.5(TSC2):c.4663-1G>A

Gene: TSC2 (TSC complex subunit 2; plus strand). Cytogenetic location: 16p13.3.
Variant type: single nucleotide variant.
Coding change: c.4663-1G>A on transcript NM_000548.5 (MANE Select); the canonical splice acceptor site of the intron before coding-DNA position 4663, G replaced by A.
Molecular consequence: splice acceptor variant.
Genome position (GRCh38, 1-based): chr16:2,086,192, G>A. VCF-style: chr16-2086192-G-A. GRCh37 (hg19) VCF-style: chr16-2136193-G-A.
Other names: c.3994-1G>A (NM_001406683.1, NM_001406682.1); c.3862-1G>A (NM_001406687.1, NM_001406688.1); c.3250-1G>A (NM_001406689.1); c.3190-1G>A (NM_001406690.1); c.3121-1G>A (NM_001406692.1, NM_001406694.1, NM_001406693.1); c.3187-1G>A (NM_001406691.1); c.3118-1G>A (NM_001406697.1, NM_001406695.1, NM_001406696.1); c.2860-1G>A (NM_001406698.1); and 26 more.
Identifiers: ClinVar variation 49312 (VCV000049312.9), dbSNP rs45517358, ClinGen allele CA020864.